The following is an entry in ClinVar:

NM_001999.4(FBN2):c.4724G>A (p.Arg1575His)

Gene: FBN2 (fibrillin 2; minus strand). Cytogenetic location: 5q23.3.
Variant type: single nucleotide variant.
Coding change: c.4724G>A on transcript NM_001999.4 (MANE Select); coding-DNA position 4724, G replaced by A.
Protein change: p.Arg1575His; replaces arginine 1575 with histidine.
Molecular consequence: missense variant.
Genome position (GRCh38, 1-based): chr5:128,312,789, C>T on the plus strand (G>A on the coding strand, the complement: FBN2 is on the minus strand). VCF-style: chr5-128312789-C-T. GRCh37 (hg19) VCF-style: chr5-127648481-C-T.
Other names: short protein forms R1575H.
Identifiers: ClinVar variation 449742 (VCV000449742.18), dbSNP rs776040052, ClinGen allele CA3394865.

ClinVar aggregate classification (germline): Conflicting classifications of pathogenicity. Review status: criteria provided, conflicting classifications (1 of 4 stars). 4 submissions from 4 submitters: Uncertain significance (3); Likely benign (1). Last evaluated 2025-02-13.

Conditions:
Familial thoracic aortic aneurysm and aortic dissection (TAAD). Also called: Thoracic aortic aneurysms and dissections. Identifiers: Orphanet 91387, MedGen C4707243, MONDO:0019625.
Congenital contractural arachnodactyly (CCA). Also called: Arthrogryposis, distal, type 9; BEALS SYNDROME; Beals-Hecht syndrome. Identifiers: Orphanet 115, MedGen C0220668, MONDO:0007363, OMIM 121050.

Allele frequency attached by ClinVar (database versions not stated): ExAC 0.00003; TOPMed 0.00003; gnomAD 0.00004.
gnomAD v4.1: 34 of 1,613,496 alleles (0.0021%); highest among the groups gnomAD compares: Admixed American, 0.015%; no homozygotes.

Submissions (5):

Labcorp Genetics (formerly Invitae), Labcorp
Classification: Likely benign for Congenital contractural arachnodactyly. Last evaluated: 2025-02-13. Review status: criteria provided, single submitter. Criteria: Invitae Variant Classification Sherloc (09022015). Collection method: clinical testing. Allele origin: germline.

GeneDx
Classification: Uncertain significance. Last evaluated: 2022-08-15. Review status: criteria provided, single submitter. Criteria: GeneDx Variant Classification Process June 2021. Collection method: clinical testing. Allele origin: germline. Affected: yes.
Comment: In silico analysis supports that this missense variant has a deleterious effect on protein structure/function; Has not been previously published as pathogenic or benign in association with an FBN2-related disorder to our knowledge; Not located within exons 24-33, where the majority of pathogenic variants reported to date occur (Callewaert et al., 2009; Frederic et al., 2009); This variant is associated with the following publications: (PMID: 19006240, 18767143, 31506931)

Blueprint Genetics
Classification: Uncertain significance. Last evaluated: 2021-09-24. Review status: criteria provided, single submitter. Criteria: ACMG Guidelines, 2015. Collection method: clinical testing. Allele origin: germline.

Ambry Genetics
Classification: Uncertain significance for Familial thoracic aortic aneurysm and aortic dissection. Last evaluated: 2017-06-07. Review status: criteria provided, single submitter. Criteria: Ambry Variant Classification Scheme 2023. Collection method: clinical testing. Allele origin: germline.
Comment: The p.R1575H variant (also known as c.4724G>A), located in coding exon 37 of the FBN2 gene, results from a G to A substitution at nucleotide position 4724. The arginine at codon 1575 is replaced by histidine, an amino acid with highly similar properties. This amino acid position is highly conserved in available vertebrate species. In addition, this alteration is predicted to be deleterious by in silico analysis. Since supporting evidence is limited at this time, the clinical significance of this alteration remains unclear.

Dr. Peter K. Rogan Lab, Western University
No classification provided (evidence only). Condition: Ovarian serous cystadenocarcinoma. Review status: no classification provided. Collection method: in vitro. Allele origin: not applicable. Functional consequence: retained intron. Not counted in ClinVar's aggregate classification.